The following is an entry in ClinVar:

ClinVar aggregate classification (germline): Uncertain significance (1 of 4 stars; one submission).

Conditions:
Atrial fibrillation, familial, 6 (ATFB6). Identifiers: MedGen C2677294, MONDO:0012816, OMIM 612201.

Allele frequency attached by ClinVar (database versions not stated): gnomAD 0.00001; gnomAD exomes 0.00001; TOPMed 0.00001.
gnomAD v4.1: 6 of 1,613,892 alleles (0.00037%); highest among the groups gnomAD compares: Admixed American, 0.005%; no homozygotes.

Submission:

Labcorp Genetics (formerly Invitae), Labcorp
Classification: Uncertain significance for Atrial fibrillation, familial, 6. Last evaluated: 2025-01-01. Review status: criteria provided, single submitter. Criteria: Invitae Variant Classification Sherloc (09022015). Collection method: clinical testing. Allele origin: germline.
Comment: This sequence change replaces leucine, which is neutral and non-polar, with isoleucine, which is neutral and non-polar, at codon 63 of the NPPA protein (p.Leu63Ile). This variant is present in population databases (no rsID available, gnomAD 0.009%). This variant has not been reported in the literature in individuals affected with NPPA-related conditions. ClinVar contains an entry for this variant (Variation ID: 1463836). An algorithm developed to predict the effect of missense changes on protein structure and function (PolyPhen-2) suggests that this variant is likely to be tolerated. In summary, the available evidence is currently insufficient to determine the role of this variant in disease. Therefore, it has been classified as a Variant of Uncertain Significance.

NM_006172.4(NPPA):c.187C>A (p.Leu63Ile)

Genes: NPPA (natriuretic peptide A; minus strand), NPPA-AS1 (NPPA antisense RNA 1; plus strand), LOC114827827 (VISTA enhancer hs2123; plus strand). Cytogenetic location: 1p36.22.
Variant type: single nucleotide variant.
Coding change: c.187C>A on transcript NM_006172.4 (MANE Select); coding-DNA position 187, C replaced by A.
Protein change: p.Leu63Ile; replaces leucine 63 with isoleucine.
Molecular consequence: missense variant.
Genome position (GRCh38, 1-based): chr1:11,847,376, G>T on the plus strand (C>A on the coding strand, the complement: NPPA is on the minus strand). VCF-style: chr1-11847376-G-T. GRCh37 (hg19) VCF-style: chr1-11907433-G-T.
Other names: short protein forms L63I.
Identifiers: ClinVar variation 1463836 (VCV001463836.8), dbSNP rs951621848, ClinGen allele CA18010796.